The following is an entry in ClinVar:

NM_000069.3(CACNA1S):c.3218A>G (p.Glu1073Gly)

Gene: CACNA1S (calcium voltage-gated channel subunit alpha1 S; minus strand). Cytogenetic location: 1q32.1.
Variant type: single nucleotide variant.
Coding change: c.3218A>G on transcript NM_000069.3 (MANE Select); coding-DNA position 3218, A replaced by G.
Protein change: p.Glu1073Gly; replaces glutamic acid 1073 with glycine.
Molecular consequence: missense variant.
Genome position (GRCh38, 1-based): chr1:201,061,304, T>C on the plus strand (A>G on the coding strand, the complement: CACNA1S is on the minus strand). VCF-style: chr1-201061304-T-C. GRCh37 (hg19) VCF-style: chr1-201030432-T-C.
Other names: short protein forms E1073G.
Identifiers: ClinVar variation 5009643 (VCV005009643.1).

ClinVar aggregate classification (germline): Uncertain significance (1 of 4 stars; one submission).

Submission:

GeneDx
Classification: Uncertain significance. Last evaluated: 2026-02-19. Review status: criteria provided, single submitter. Criteria: GeneDx Variant Classification Process June 2021. Collection method: clinical testing. Allele origin: germline.
Comment: Not observed at significant frequency in large population cohorts (gnomAD); In silico analysis supports that this missense variant has a deleterious effect on protein structure/function; Has not been previously published as pathogenic or benign to our knowledge